The following is an entry in ClinVar:

ClinVar aggregate classification (germline): Uncertain significance. Review status: criteria provided, multiple submitters, no conflicts (2 of 4 stars). 2 submissions from 2 submitters: Uncertain significance (2). Last evaluated 2025-03-17.

Allele frequency attached by ClinVar (database versions not stated): gnomAD exomes 0.00001; ExAC 0.00002.
gnomAD v4.1: 5 of 1,613,310 alleles (0.00031%); highest among the groups gnomAD compares: East Asian, 0.0022%; no homozygotes.

Submissions (2):

Labcorp Genetics (formerly Invitae), Labcorp
Classification: Uncertain significance. Last evaluated: 2025-03-17. Review status: criteria provided, single submitter. Criteria: Invitae Variant Classification Sherloc (09022015). Collection method: clinical testing. Allele origin: germline.
Comment: This sequence change replaces tyrosine, which is neutral and polar, with cysteine, which is neutral and slightly polar, at codon 3094 of the HMCN1 protein (p.Tyr3094Cys). This variant is present in population databases (rs752612787, gnomAD 0.006%). This variant has not been reported in the literature in individuals affected with HMCN1-related conditions. ClinVar contains an entry for this variant (Variation ID: 2062514). An algorithm developed to predict the effect of missense changes on protein structure and function (PolyPhen-2) suggests that this variant is likely to be disruptive. In summary, the available evidence is currently insufficient to determine the role of this variant in disease. Therefore, it has been classified as a Variant of Uncertain Significance.

Ambry Genetics
Classification: Uncertain significance. Last evaluated: 2024-03-18. Review status: criteria provided, single submitter. Criteria: Ambry Variant Classification Scheme 2023. Collection method: clinical testing. Allele origin: germline.

NM_031935.3(HMCN1):c.9281A>G (p.Tyr3094Cys)

Gene: HMCN1 (hemicentin 1; plus strand). Cytogenetic location: 1q31.1.
Variant type: single nucleotide variant.
Coding change: c.9281A>G on transcript NM_031935.3 (MANE Select); coding-DNA position 9281, A replaced by G.
Protein change: p.Tyr3094Cys; replaces tyrosine 3094 with cysteine.
Molecular consequence: missense variant.
Genome position (GRCh38, 1-based): chr1:186,087,563, A>G. VCF-style: chr1-186087563-A-G. GRCh37 (hg19) VCF-style: chr1-186056695-A-G.
Other names: c.9281A>G (NM_031935.2); short protein forms Y3094C.
Identifiers: ClinVar variation 2062514 (VCV002062514.5), dbSNP rs752612787, ClinGen allele CA1293369.